The following is an entry in ClinVar:

ClinVar aggregate classification (germline): Uncertain significance (1 of 4 stars; one submission).

Allele frequency attached by ClinVar (database versions not stated): TOPMed 0.00001; gnomAD exomes 0.00002.
gnomAD v4.1: 23 of 1,613,842 alleles (0.0014%); highest among the groups gnomAD compares: Non-Finnish European, 0.0019%; no homozygotes.

Submission:

Labcorp Genetics (formerly Invitae), Labcorp
Classification: Uncertain significance. Last evaluated: 2024-12-05. Review status: criteria provided, single submitter. Criteria: Invitae Variant Classification Sherloc (09022015). Collection method: clinical testing. Allele origin: germline.
Comment: This sequence change replaces arginine, which is basic and polar, with cysteine, which is neutral and slightly polar, at codon 1839 of the SON protein (p.Arg1839Cys). This variant is not present in population databases (gnomAD no frequency). This variant has not been reported in the literature in individuals affected with SON-related conditions. ClinVar contains an entry for this variant (Variation ID: 1942078). Experimental studies and prediction algorithms are not available or were not evaluated, and the functional significance of this variant is currently unknown. In summary, the available evidence is currently insufficient to determine the role of this variant in disease. Therefore, it has been classified as a Variant of Uncertain Significance.

NM_138927.4(SON):c.5515C>T (p.Arg1839Cys)

Gene: SON (SON DNA and RNA binding protein; plus strand). Cytogenetic location: 21q22.11.
Variant type: single nucleotide variant.
Coding change: c.5515C>T on transcript NM_138927.4 (MANE Select); coding-DNA position 5515, C replaced by T.
Protein change: p.Arg1839Cys; replaces arginine 1839 with cysteine.
Molecular consequence: missense variant. On other transcripts: non-coding transcript variant (1), intron variant (1).
Genome position (GRCh38, 1-based): chr21:33,554,746, C>T. VCF-style: chr21-33554746-C-T. GRCh37 (hg19) VCF-style: chr21-34927052-C-T.
Other names: c.5515C>T, p.Arg1839Cys (NM_001291411.2, NM_001412133.1, NM_032195.3 and 2 more transcripts); c.245-2410C>T (NM_001291412.3); short protein forms R1839C.
Identifiers: ClinVar variation 1942078 (VCV001942078.5), dbSNP rs2085920003, ClinGen allele CA410164968.
Genomic context (GRCh38, chr21:33,554,746, plus strand): 5'-GACTCTTCATTAAGATCTCGAAGTAAGCGTTCCAAATCTTCTGAACACAAATCACGCAAG[C>T]GTACCAGTGAATCTCGTTCTAGGGCAAGAAAGAGATCATCTAAGTCCAAGTCTCATCGCT-3'
Protein context (NP_620305.3, residues 1829-1849): SKSSEHKSRK[Arg1839Cys]TSESRSRARK